The following is an entry in ClinVar:

NM_000264.5(PTCH1):c.1396del (p.Gln466fs)

Gene: PTCH1 (patched 1; minus strand). Cytogenetic location: 9q22.32.
Variant type: Deletion.
Coding change: c.1396del on transcript NM_000264.5 (MANE Select); coding-DNA position 1396, one base deleted (C; older notation c.1396delC).
Protein change: p.Gln466fs; shifts the reading frame from glutamine 466.
Molecular consequence: frameshift variant. On other transcripts: non-coding transcript variant (1), intron variant (1).
Genome position (GRCh38, 1-based): chr9:95,477,654, G deleted on the plus strand (C on the coding strand, the reverse complement: PTCH1 is on the minus strand); the first of 3 consecutive G bases (chr9:95,477,654-95,477,656); deleting any one gives the same sequence. VCF-style (leftmost placement, unchanged base first): chr9-95477653-TG-T. GRCh37 (hg19) VCF-style: chr9-98239935-TG-T.
Other names: c.943del, p.Gln315fs (NM_001083605.3, NM_001083606.3, NM_001083607.3 and 1 more transcripts); c.1347+401del (NM_001354918.2); c.1393del, p.Gln465fs (NM_001083603.3); c.1198del, p.Gln400fs (NM_001083602.3); c.1396delC (NM_000264.3); short protein forms Q315fs, Q400fs, Q465fs, Q466fs.
Identifiers: ClinVar variation 4862721 (VCV004862721.1).
Genomic context (GRCh38, chr9:95,477,653, plus strand): 5'-CCCAGTCCTGCAGCCACTGACAGTGCAACCAGCAGGACGCCAGCCAGCCCCACGGCACCC[TG>T]GGACTTGGAGCAGTCCCAGCGCAGCATGGTTAGACAGGCATAGGCGAGCTGCAAGCAGAA-3'

ClinVar aggregate classification (germline): Pathogenic (1 of 4 stars; one submission).

Conditions:
Hereditary cancer-predisposing syndrome. Also called: Neoplastic Syndromes, Hereditary; Tumor predisposition; Hereditary Cancer Syndrome; Hereditary neoplastic syndrome. Identifiers: Orphanet 140162, MedGen C0027672, MeSH D009386, MONDO:0015356.

Submission:

Ambry Genetics
Classification: Pathogenic for Hereditary cancer-predisposing syndrome. Last evaluated: 2026-04-29. Review status: criteria provided, single submitter. Criteria: Ambry Variant Classification Scheme 2023. Collection method: clinical testing. Allele origin: germline.
Comment: The c.1396delC (p.Q466Rfs*25) alteration, located in exon 10 (coding exon 10) of the PTCH1 gene, consists of a deletion of one nucleotide at position 1396, causing a translational frameshift with a predicted alternate stop codon after 25 amino acids. This variant is expected to result in loss of function by premature protein truncation or nonsense-mediated mRNA decay. This variant was not reported in population-based cohorts in the Genome Aggregation Database (gnomAD). Based on the available evidence, this alteration is classified as pathogenic.